The following is an entry in ClinVar:

NM_003091.4(SNRPB):c.526C>G (p.Pro176Ala)

Gene: SNRPB (small nuclear ribonucleoprotein polypeptides B and B1; minus strand). Cytogenetic location: 20p13.
Variant type: single nucleotide variant.
Coding change: c.526C>G on transcript NM_003091.4 (MANE Select); coding-DNA position 526, C replaced by G.
Protein change: p.Pro176Ala; replaces proline 176 with alanine.
Molecular consequence: missense variant.
Genome position (GRCh38, 1-based): chr20:2,463,122, G>C on the plus strand (C>G on the coding strand, the complement: SNRPB is on the minus strand). VCF-style: chr20-2463122-G-C. GRCh37 (hg19) VCF-style: chr20-2443768-G-C.
Other names: c.526C>G, p.Pro176Ala (NM_198216.2); short protein forms P176A.
Identifiers: ClinVar variation 1496026 (VCV001496026.8), dbSNP rs373871174, ClinGen allele CA9732423.

ClinVar aggregate classification (germline): Uncertain significance (1 of 4 stars; one submission).

Allele frequency attached by ClinVar (database versions not stated): ESP Exome Variant Server 0.00008.
gnomAD v4.1: 2 of 1,602,982 alleles (0.00012%); highest among the groups gnomAD compares: African/African-American, 0.0027%; no homozygotes.

Submission:

Labcorp Genetics (formerly Invitae), Labcorp
Classification: Uncertain significance. Last evaluated: 2023-03-08. Review status: criteria provided, single submitter. Criteria: Invitae Variant Classification Sherloc (09022015). Collection method: clinical testing. Allele origin: germline.
Comment: In summary, the available evidence is currently insufficient to determine the role of this variant in disease. Therefore, it has been classified as a Variant of Uncertain Significance. Experimental studies and prediction algorithms are not available or were not evaluated, and the functional significance of this variant is currently unknown. ClinVar contains an entry for this variant (Variation ID: 1496026). This variant has not been reported in the literature in individuals affected with SNRPB-related conditions. This variant is present in population databases (rs373871174, gnomAD 0.01%). This sequence change replaces proline, which is neutral and non-polar, with alanine, which is neutral and non-polar, at codon 176 of the SNRPB protein (p.Pro176Ala).